The following is an entry in ClinVar:

NM_001114753.3(ENG):c.1565C>G (p.Pro522Arg)

Genes: ENG (endoglin; minus strand), LOC102723566 (uncharacterized LOC102723566; plus strand). Cytogenetic location: 9q34.11.
Variant type: single nucleotide variant.
Coding change: c.1565C>G on transcript NM_001114753.3 (MANE Select); coding-DNA position 1565, C replaced by G.
Protein change: p.Pro522Arg; replaces proline 522 with arginine.
Molecular consequence: missense variant.
Genome position (GRCh38, 1-based): chr9:127,818,241, G>C on the plus strand (C>G on the coding strand, the complement: ENG is on the minus strand). VCF-style: chr9-127818241-G-C. GRCh37 (hg19) VCF-style: chr9-130580520-G-C.
Other names: c.1565C>G, p.Pro522Arg (NM_000118.4); c.1019C>G, p.Pro340Arg (NM_001278138.2); short protein forms P340R, P522R.
Identifiers: ClinVar variation 5035951 (VCV005035951.1).

ClinVar aggregate classification (germline): Uncertain significance (1 of 4 stars; one submission).

Conditions:
Cardiovascular phenotype. Identifiers: MedGen CN230736.

Submission:

Ambry Genetics
Classification: Uncertain significance for Cardiovascular phenotype. Last evaluated: 2026-06-24. Review status: criteria provided, single submitter. Criteria: Ambry Variant Classification Scheme 2023. Collection method: clinical testing. Allele origin: germline.
Comment: The p.P522R variant (also known as c.1565C>G), located in coding exon 12 of the ENG gene, results from a C to G substitution at nucleotide position 1565. The proline at codon 522 is replaced by arginine, an amino acid with dissimilar properties. This amino acid position is conserved. In addition, this alteration is predicted to be tolerated by in silico analysis. Based on the available evidence, the clinical significance of this variant remains unclear.